The following is an entry in ClinVar:

ClinVar aggregate classification (germline): Uncertain significance (1 of 4 stars; one submission).

Conditions:
Primary ciliary dyskinesia 33. Also called: CILIARY DYSKINESIA, PRIMARY, 33, WITHOUT SITUS INVERSUS. Identifiers: Orphanet 244, MedGen C4225230, MONDO:0014750, OMIM 616726.

Allele frequency attached by ClinVar (database versions not stated): gnomAD 0.00001; ExAC 0.00002; TOPMed 0.00002.
gnomAD v4.1: 4 of 1,602,780 alleles (0.00025%); highest among the groups gnomAD compares: Admixed American, 0.0052%; no homozygotes.

Submission:

Labcorp Genetics (formerly Invitae), Labcorp
Classification: Uncertain significance for Primary ciliary dyskinesia 33. Last evaluated: 2017-09-27. Review status: criteria provided, single submitter. Criteria: Invitae Variant Classification Sherloc (09022015). Collection method: clinical testing. Allele origin: germline.
Comment: In summary, the available evidence is currently insufficient to determine the role of this variant in disease. Therefore, it has been classified as a Variant of Uncertain Significance. Algorithms developed to predict the effect of missense changes on protein structure and function (SIFT, PolyPhen-2, Align-GVGD) all suggest that this variant is likely to be disruptive, but these predictions have not been confirmed by published functional studies and their clinical significance is uncertain. This variant has not been reported in the literature in individuals with GAS8-related disease. This variant is present in population databases (rs769384158, ExAC 0.02%). This sequence change replaces aspartic acid with alanine at codon 81 of the GAS8 protein (p.Asp81Ala). The aspartic acid residue is highly conserved and there is a moderate physicochemical difference between aspartic acid and alanine.

NM_001481.3(GAS8):c.242A>C (p.Asp81Ala)

Gene: GAS8 (growth arrest specific 8; plus strand). Cytogenetic location: 16q24.3.
Variant type: single nucleotide variant.
Coding change: c.242A>C on transcript NM_001481.3 (MANE Select); coding-DNA position 242, A replaced by C.
Protein change: p.Asp81Ala; replaces aspartic acid 81 with alanine.
Molecular consequence: missense variant. On other transcripts: 5 prime UTR variant (2).
Genome position (GRCh38, 1-based): chr16:90,031,450, A>C. VCF-style: chr16-90031450-A-C. GRCh37 (hg19) VCF-style: chr16-90097858-A-C.
Other names: c.-8A>C (NM_001286205.2); c.-280A>C (NM_001286208.2); c.167A>C, p.Asp56Ala (NM_001286209.2); short protein forms D56A, D81A.
Identifiers: ClinVar variation 542263 (VCV000542263.6), dbSNP rs769384158, ClinGen allele CA8257720.
Genomic context (GRCh38, chr16:90,031,450, plus strand): 5'-CCTTCTGGGAGATCACACGGAGGCAGCTGGAGGAGAAGAAGGCTGAGCTGCGGAACAAAG[A>C]CCGGGAGATGGAAGAAGCCGAGGAGAGGCACCAGGTGGAGATCAAGGTGAGTGGGGCCGG-3'
Protein context (NP_001472.1, residues 71-91): EEKKAELRNK[Asp81Ala]REMEEAEERH